The following is an entry in ClinVar:

NM_207122.2(EXT2):c.646G>A (p.Gly216Ser)

Gene: EXT2 (exostosin glycosyltransferase 2; plus strand). Cytogenetic location: 11p11.2.
Variant type: single nucleotide variant.
Coding change: c.646G>A on transcript NM_207122.2 (MANE Select); coding-DNA position 646, G replaced by A.
Protein change: p.Gly216Ser; replaces glycine 216 with serine.
Molecular consequence: missense variant.
Genome position (GRCh38, 1-based): chr11:44,114,204, G>A. VCF-style: chr11-44114204-G-A. GRCh37 (hg19) VCF-style: chr11-44135754-G-A.
Other names: c.745G>A, p.Gly249Ser (NM_000401.3); c.646G>A, p.Gly216Ser (NM_001178083.3, NM_001389628.1, NM_001389630.1); c.646G>A (NM_207122.1); short protein forms G216S, G249S.
Identifiers: ClinVar variation 1429185 (VCV001429185.8), dbSNP rs1208541215, ClinGen allele CA380164246.

ClinVar aggregate classification (germline): Uncertain significance. Review status: criteria provided, multiple submitters, no conflicts (2 of 4 stars). 3 submissions from 3 submitters: Uncertain significance (3). Last evaluated 2025-01-21.

Conditions:
Inborn genetic diseases. Identifiers: MedGen C0950123, MeSH D030342.
Exostoses, multiple, type 2 (EXT2). Also called: EXOSTOSES, MULTIPLE, TYPE II; Hereditary Multiple Osteochondromatosis, Type II. Identifiers: Orphanet 321, MedGen C1851413, MONDO:0007586, OMIM 133701.

Allele frequency attached by ClinVar (database versions not stated): gnomAD 0.00001; gnomAD exomes 0.00001 and 0.00003; TOPMed 0.00001.
gnomAD v4.1: 14 of 1,613,912 alleles (0.00087%); highest among the groups gnomAD compares: Admixed American, 0.015%; no homozygotes.

Submissions (3):

Labcorp Genetics (formerly Invitae), Labcorp
Classification: Uncertain significance for Exostoses, multiple, type 2. Last evaluated: 2025-01-21. Review status: criteria provided, single submitter. Criteria: Invitae Variant Classification Sherloc (09022015). Collection method: clinical testing. Allele origin: germline.
Comment: This sequence change replaces glycine, which is neutral and non-polar, with serine, which is neutral and polar, at codon 216 of the EXT2 protein (p.Gly216Ser). This variant is present in population databases (no rsID available, gnomAD 0.02%). This variant has not been reported in the literature in individuals affected with EXT2-related conditions. ClinVar contains an entry for this variant (Variation ID: 1429185). Invitae Evidence Modeling of protein sequence and biophysical properties (such as structural, functional, and spatial information, amino acid conservation, physicochemical variation, residue mobility, and thermodynamic stability) indicates that this missense variant is not expected to disrupt EXT2 protein function with a negative predictive value of 95%. In summary, the available evidence is currently insufficient to determine the role of this variant in disease. Therefore, it has been classified as a Variant of Uncertain Significance.

Ambry Genetics
Classification: Uncertain significance for Inborn genetic diseases. Last evaluated: 2025-01-17. Review status: criteria provided, single submitter. Criteria: Ambry Variant Classification Scheme 2023. Collection method: clinical testing. Allele origin: germline.

Breakthrough Genomics
Classification: Uncertain significance. Review status: criteria provided, single submitter. Criteria: ACMG Guidelines, 2015. Collection method: not provided. Allele origin: germline. Inheritance: Autosomal recessive inheritance. Affected: yes.